The following is an entry in ClinVar:

ClinVar aggregate classification (germline): Likely benign. Review status: criteria provided, multiple submitters, no conflicts (2 of 4 stars). 4 submissions from 4 submitters: Likely benign (2). 2 of the submissions do not count toward it. Last evaluated 2025-03-01.

Allele frequency attached by ClinVar (database versions not stated): ESP Exome Variant Server 0.00143; ExAC 0.00234; 1000 Genomes Project 0.00359; 1000 Genomes Project 30x 0.00375.
gnomAD v4.1: 1,487 of 1,419,682 alleles (0.1%); highest among the groups gnomAD compares: African/African-American, 0.79%; 61 homozygotes.

Submissions (4):

CeGaT Center for Human Genetics Tuebingen
Classification: Likely benign. Last evaluated: 2025-03-01. Review status: criteria provided, single submitter. Criteria: CeGaT Center For Human Genetics Tuebingen Variant Classification Criteria Version 2. Collection method: clinical testing. Allele origin: germline. Affected: yes. Observed: 3 variant alleles.
Comment: DSPP: BP4, BS2

Breakthrough Genomics
Classification: Likely benign. Review status: criteria provided, single submitter. Criteria: ACMG Guidelines, 2015. Collection method: not provided. Allele origin: germline. Inheritance: Autosomal dominant inheritance. Affected: yes.

Clinical Genetics DNA and cytogenetics Diagnostics Lab, Erasmus MC, Erasmus Medical Center
Classification: Likely benign. Review status: no assertion criteria provided. Collection method: clinical testing. Allele origin: germline. Affected: yes. Study: VKGL Data-share Consensus. Not counted in ClinVar's aggregate classification.

Laboratory of Diagnostic Genome Analysis, Leiden University Medical Center (LUMC)
Classification: Likely benign. Review status: no assertion criteria provided. Collection method: clinical testing. Allele origin: germline. Affected: yes. Study: VKGL Data-share Consensus. Not counted in ClinVar's aggregate classification.

NM_014208.3(DSPP):c.3535A>G (p.Asn1179Asp)

Genes: DMP1-AS1 (DMP1 and DSPP antisense RNA 1; minus strand), DSPP (dentin sialophosphoprotein; plus strand). Cytogenetic location: 4q22.1.
Variant type: single nucleotide variant.
Coding change: c.3535A>G on transcript NM_014208.3 (MANE Select); coding-DNA position 3535, A replaced by G.
Protein change: p.Asn1179Asp; replaces asparagine 1179 with aspartic acid.
Molecular consequence: missense variant.
Genome position (GRCh38, 1-based): chr4:87,616,197, A>G. VCF-style: chr4-87616197-A-G. GRCh37 (hg19) VCF-style: chr4-88537349-A-G.
Other names: short protein forms N1179D.
Identifiers: ClinVar variation 1205890 (VCV001205890.27), dbSNP rs201659235, ClinGen allele CA3001775.